The following is an entry in ClinVar:

NM_000138.5(FBN1):c.823G>C (p.Ala275Pro)

Gene: FBN1 (fibrillin 1; minus strand). Cytogenetic location: 15q21.1.
Variant type: single nucleotide variant.
Coding change: c.823G>C on transcript NM_000138.5 (MANE Select); coding-DNA position 823, G replaced by C.
Protein change: p.Ala275Pro; replaces alanine 275 with proline.
Molecular consequence: missense variant.
Genome position (GRCh38, 1-based): chr15:48,534,119, C>G on the plus strand (G>C on the coding strand, the complement: FBN1 is on the minus strand). VCF-style: chr15-48534119-C-G. GRCh37 (hg19) VCF-style: chr15-48826316-C-G.
Other names: c.823G>C, p.Ala275Pro (NM_001406716.1, NM_001406717.1); short protein forms A275P.
Identifiers: ClinVar variation 3066037 (VCV003066037.2), dbSNP rs1345051744, ClinGen allele CA392352432.

ClinVar aggregate classification (germline): Uncertain significance. Review status: criteria provided, single submitter (1 of 4 stars). 2 submissions from 2 submitters: Uncertain significance (1). 1 of the submissions does not count toward it. Last evaluated 2023-10-06.

Conditions:
Marfan syndrome (MFS). Also called: MARFAN SYNDROME, TYPE I; Marfan syndrome type 1; Marfan's syndrome; Marfan syndrome, classic; FBN1-Related Marfan Syndrome. Identifiers: Orphanet 284963, Orphanet 558, MedGen C0024796, MONDO:0007947, OMIM 154700.

gnomAD v4.1: 2 of 1,613,570 alleles (0.00012%); highest among the groups gnomAD compares: African/African-American, 0.0027%; no homozygotes.

Submissions (2):

All of Us Research Program, National Institutes of Health
Classification: Uncertain significance for Marfan syndrome. Last evaluated: 2023-10-06. Review status: criteria provided, single submitter. Criteria: ACMG Guidelines, 2015. Collection method: clinical testing. Allele origin: germline. Inheritance: Autosomal dominant inheritance. Observed: 1 variant allele, 1 heterozygote.
Comment: This missense variant replaces alanine with proline at codon 275 of the FBN1 protein. Computational prediction is inconclusive regarding the impact of this variant on protein structure and function (internally defined REVEL score threshold 0.5 < inconclusive < 0.7, PMID: 27666373). To our knowledge, functional studies have not been reported for this variant. This variant has not been reported in individuals affected with FBN1-related disorders in the literature. This variant has not been identified in the general population by the Genome Aggregation Database (gnomAD). The available evidence is insufficient to determine the role of this variant in disease conclusively. Therefore, this variant is classified as a Variant of Uncertain Significance.

This study involves interpretation of variants in research participants for the purpose of population health screening. Participant phenotype was not available at the time of variant classification. Additional details can be found in publication PMID: 35346344, PMCID: PMC8962531

Clinical Genetics Laboratory, University Hospital Schleswig-Holstein
Classification: Uncertain significance for Marfan syndrome. Last evaluated: 2023-03-02. Review status: no assertion criteria provided. Collection method: clinical testing. Allele origin: germline. Affected: yes. Not counted in ClinVar's aggregate classification.